The following is an entry in ClinVar:

NM_001001888.4(VCX3B):c.445C>G (p.Gln149Glu)

Gene: VCX3B (variable charge X-linked 3B; plus strand). Cytogenetic location: Xp22.31.
Variant type: single nucleotide variant.
Coding change: c.445C>G on transcript NM_001001888.4 (MANE Select); coding-DNA position 445, C replaced by G.
Protein change: p.Gln149Glu; replaces glutamine 149 with glutamic acid.
Molecular consequence: missense variant.
Genome position (GRCh38, 1-based): chrX:8,466,087, C>G. VCF-style: chrX-8466087-C-G. GRCh37 (hg19) VCF-style: chrX-8434128-C-G.
Other names: short protein forms Q149E.
Identifiers: ClinVar variation 2380564 (VCV002380564.26), dbSNP rs372770045, ClinGen allele CA10343305.

ClinVar aggregate classification (germline): Conflicting classifications of pathogenicity. Review status: criteria provided, conflicting classifications (1 of 4 stars). 2 submissions from 2 submitters: Uncertain significance (1); Likely benign (1). Last evaluated 2024-01-01.

Allele frequency attached by ClinVar (database versions not stated): ExAC 0.00004; gnomAD 0.00072.

Submissions (2):

CeGaT Center for Human Genetics Tuebingen
Classification: Likely benign. Last evaluated: 2024-01-01. Review status: criteria provided, single submitter. Criteria: CeGaT Center For Human Genetics Tuebingen Variant Classification Criteria Version 2. Collection method: clinical testing. Allele origin: germline. Affected: yes. Observed: 2 variant alleles.
Comment: VCX3B: BP4, BS2

Ambry Genetics
Classification: Uncertain significance. Last evaluated: 2023-12-22. Review status: criteria provided, single submitter. Criteria: Ambry Variant Classification Scheme 2023. Collection method: clinical testing. Allele origin: germline.